The following is an entry in ClinVar:

ClinVar aggregate classification (germline): Uncertain significance. Review status: criteria provided, multiple submitters, no conflicts (2 of 4 stars). 6 submissions from 6 submitters: Uncertain significance (5). 1 of the submissions does not count toward it. Last evaluated 2026-01-05.

Conditions:
Nephronophthisis 15 (NPHP15). Identifiers: Orphanet 3156, MedGen C3541853, MONDO:0013917, OMIM 614845.
CEP164-related disorder. Also called: CEP164-related condition.
Inborn genetic diseases. Identifiers: MedGen C0950123, MeSH D030342.

Allele frequency attached by ClinVar (database versions not stated): gnomAD exomes 0.00002 and 0.00004; TOPMed 0.00002; ExAC 0.00003; gnomAD 0.00003.
gnomAD v4.1: 17 of 1,612,912 alleles (0.0011%); highest among the groups gnomAD compares: Admixed American, 0.025%; no homozygotes.

Submissions (6):

Labcorp Genetics (formerly Invitae), Labcorp
Classification: Uncertain significance for Nephronophthisis 15. Last evaluated: 2026-01-05. Review status: criteria provided, single submitter. Criteria: Invitae Variant Classification Sherloc (09022015). Collection method: clinical testing. Allele origin: germline.
Comment: This sequence change replaces proline, which is neutral and non-polar, with serine, which is neutral and polar, at codon 278 of the CEP164 protein (p.Pro278Ser). This variant is present in population databases (rs767609128, gnomAD 0.03%). This variant has not been reported in the literature in individuals affected with CEP164-related conditions. ClinVar contains an entry for this variant (Variation ID: 1006919). An algorithm developed to predict the effect of missense changes on protein structure and function (PolyPhen-2) suggests that this variant is likely to be disruptive. In summary, the available evidence is currently insufficient to determine the role of this variant in disease. Therefore, it has been classified as a Variant of Uncertain Significance.

Ambry Genetics
Classification: Uncertain significance for Inborn genetic diseases. Last evaluated: 2025-02-14. Review status: criteria provided, single submitter. Criteria: Ambry Variant Classification Scheme 2023. Collection method: clinical testing. Allele origin: germline.

Revvity Omics, Revvity
Classification: Uncertain significance for Nephronophthisis 15. Last evaluated: 2024-09-27. Review status: criteria provided, single submitter. Criteria: ACMG Guidelines, 2015. Collection method: clinical testing. Allele origin: germline.

Fulgent Genetics
Classification: Uncertain significance for Nephronophthisis 15. Last evaluated: 2024-06-24. Review status: criteria provided, single submitter. Criteria: ACMG Guidelines, 2015. Collection method: clinical testing. Allele origin: germline.

GeneDx
Classification: Uncertain significance. Last evaluated: 2024-04-11. Review status: criteria provided, single submitter. Criteria: GeneDx Variant Classification Process June 2021. Collection method: clinical testing. Allele origin: germline. Affected: yes.
Comment: In silico analysis supports that this missense variant has a deleterious effect on protein structure/function; Has not been previously published as pathogenic or benign to our knowledge

PreventionGenetics, part of Exact Sciences
Classification: Uncertain significance for CEP164-related condition. Last evaluated: 2024-07-25. Review status: no assertion criteria provided. Collection method: clinical testing. Allele origin: germline. Not counted in ClinVar's aggregate classification.
Comment: The CEP164 c.832C>T variant is predicted to result in the amino acid substitution p.Pro278Ser. To our knowledge, this variant has not been reported in the literature. This variant is reported in 0.034% of alleles in individuals of Latino descent in gnomAD. At this time, the clinical significance of this variant is uncertain due to the absence of conclusive functional and genetic evidence.

NM_014956.5(CEP164):c.832C>T (p.Pro278Ser)

Gene: CEP164 (centrosomal protein 164; plus strand). Cytogenetic location: 11q23.3.
Variant type: single nucleotide variant.
Coding change: c.832C>T on transcript NM_014956.5 (MANE Select); coding-DNA position 832, C replaced by T.
Protein change: p.Pro278Ser; replaces proline 278 with serine.
Molecular consequence: missense variant.
Genome position (GRCh38, 1-based): chr11:117,371,146, C>T. VCF-style: chr11-117371146-C-T. GRCh37 (hg19) VCF-style: chr11-117241862-C-T.
Other names: c.832C>T (NM_014956.4); c.832C>T, p.Pro278Ser (NM_001271933.2); short protein forms P278S.
Identifiers: ClinVar variation 1006919 (VCV001006919.11), dbSNP rs767609128, ClinGen allele CA6294603.